The following is an entry in ClinVar:

NM_001378743.1(CYLD):c.1139-3dup

Gene: CYLD (CYLD lysine 63 deubiquitinase; plus strand). Cytogenetic location: 16q12.1.
Variant type: Duplication.
Coding change: c.1139-3dup on transcript NM_001378743.1 (MANE Select); 3 bases into the intron before coding-DNA position 1139, one base duplicated (T; older notation c.1139-3dupT).
Molecular consequence: intron variant.
Genome position (GRCh38, 1-based): chr16:50,779,662, T duplicated; the last of 6 consecutive T bases (chr16:50,779,657-50,779,662); duplicating any one gives the same sequence. VCF-style (leftmost placement, unchanged base first): chr16-50779656-A-AT. GRCh37 (hg19) VCF-style: chr16-50813567-A-AT.
Other names: c.1139-3dup (NM_015247.3); c.1130-3dup (NM_001378745.1, NM_001378744.1, NM_001042355.2 and 6 more transcripts); c.1130-33dup (NM_001378753.1, NM_001378751.1, NM_001378752.1); c.464-3dup (NM_001378754.1, NM_001378755.1).
Identifiers: ClinVar variation 3029119 (VCV003029119.2), dbSNP rs750645353, ClinGen allele CA495450226.

ClinVar aggregate classification (germline): Likely benign (0 of 4 stars; one submission).

Conditions:
CYLD-related disorder. Also called: CYLD-related condition.

Submission:

PreventionGenetics, part of Exact Sciences
Classification: Likely benign for CYLD-related condition. Last evaluated: 2022-02-07. Review status: no assertion criteria provided. Collection method: clinical testing. Allele origin: germline.
Comment: This variant is classified as likely benign based on ACMG/AMP sequence variant interpretation guidelines (Richards et al. 2015 PMID: 25741868, with internal and published modifications).